The following is an entry in ClinVar:

NM_000535.7(PMS2):c.1807T>G (p.Ser603Ala)

Gene: PMS2 (PMS1 homolog 2, mismatch repair system component; minus strand). Cytogenetic location: 7p22.1.
Variant type: single nucleotide variant.
Coding change: c.1807T>G on transcript NM_000535.7 (MANE Select); coding-DNA position 1807, T replaced by G.
Protein change: p.Ser603Ala; replaces serine 603 with alanine.
Molecular consequence: missense variant. On other transcripts: non-coding transcript variant (1).
Genome position (GRCh38, 1-based): chr7:5,986,958, A>C on the plus strand (T>G on the coding strand, the complement: PMS2 is on the minus strand). VCF-style: chr7-5986958-A-C. GRCh37 (hg19) VCF-style: chr7-6026589-A-C.
Other names: c.1402T>G, p.Ser468Ala (NM_001322003.2, NM_001322004.2, NM_001322005.2 and 1 more transcripts); c.1651T>G, p.Ser551Ala (NM_001322006.2); c.1489T>G, p.Ser497Ala (NM_001322007.2, NM_001322008.2); c.1246T>G, p.Ser416Ala (NM_001322010.2); c.874T>G, p.Ser292Ala (NM_001322011.2, NM_001322012.2); c.1234T>G, p.Ser412Ala (NM_001322013.2); c.1807T>G, p.Ser603Ala (NM_001322014.2); c.1498T>G, p.Ser500Ala (NM_001322015.2); short protein forms S292A, S412A, S416A, S468A, S497A, S500A, S551A, S603A.
Identifiers: ClinVar variation 1692459 (VCV001692459.1), dbSNP rs2128723085, ClinGen allele CA366739753.

ClinVar aggregate classification (germline): Uncertain significance (1 of 4 stars; one submission).

Conditions:
Hereditary cancer-predisposing syndrome. Also called: Hereditary Cancer Syndrome; Hereditary neoplastic syndrome; Neoplastic Syndromes, Hereditary; Tumor predisposition. Identifiers: Orphanet 140162, MedGen C0027672, MeSH D009386, MONDO:0015356.

Submission:

Sema4
Classification: Uncertain significance for Hereditary cancer-predisposing syndrome. Last evaluated: 2022-03-08. Review status: criteria provided, single submitter. Criteria: Sema4 Curation Guidelines. Collection method: curation. Allele origin: germline.
Comment: The PMS2 c.1807T>G (p.S603A) variant has not been reported in the literature to our knowledge. It was not observed in the large and broad cohorts of the Genome Aggregation Database (PMID: 32461654). This variant has not been reported in ClinVar. In silico tools suggest that the impact of the variant on protein function is benign, though these predictions have not been confirmed by functional studies. The evidence is insufficient to meet ACMG/AMP criteria for classifying the variant as benign or pathogenic. Thus, the clinical significance of this variant is currently uncertain.